The following is an entry in ClinVar:

ClinVar aggregate classification (germline): Pathogenic/Likely pathogenic. Review status: criteria provided, multiple submitters, no conflicts (2 of 4 stars). 7 submissions from 7 submitters: Pathogenic (3); Likely pathogenic (3). 1 of the submissions does not count toward it. Last evaluated 2025-07-24.

Conditions:
Hereditary cancer-predisposing syndrome. Also called: Hereditary Cancer Syndrome; Neoplastic Syndromes, Hereditary; Tumor predisposition; Hereditary neoplastic syndrome. Identifiers: Orphanet 140162, MedGen C0027672, MeSH D009386, MONDO:0015356.
Glioblastoma. Also called: Giant cell glioblastoma (histologic variant); Gliosarcoma (histologic variant). Identifiers: Orphanet 360, MedGen C0017636, MeSH D005909, MONDO:0018177, HP:0100843.
Ataxia-telangiectasia syndrome (AT). Also called: Cerebello-oculocutaneous telangiectasia; Immunodeficiency with ataxia telangiectasia; Ataxia-telangiectasia, complementation group E; Ataxia-telangiectasia, complementation group D; AT, COMPLEMENTATION GROUP C; ATAXIA-TELANGIECTASIA, COMPLEMENTATION GROUP A. Identifiers: Orphanet 100, MedGen C0004135, MONDO:0008840, OMIM 208900.
Familial cancer of breast. Also called: BREAST CANCER, FAMILIAL; Hereditary breast cancer; hereditary breast carcinoma. Identifiers: Orphanet 227535, MedGen C0346153, MONDO:0016419, OMIM 114480. Disease mechanism: loss of function.

Allele frequency attached by ClinVar (database versions not stated): gnomAD exomes below 0.00001.
gnomAD v4.1: 1 of 1,613,844 alleles (0.000062%); highest among the groups gnomAD compares: South Asian, 0.0011%; no homozygotes.

Submissions (7):

Ambry Genetics
Classification: Pathogenic for Hereditary cancer-predisposing syndrome. Last evaluated: 2025-07-24. Review status: criteria provided, single submitter. Criteria: Ambry Variant Classification Scheme 2023. Collection method: clinical testing. Allele origin: germline.
Comment: The p.W2845* pathogenic mutation (also known as c.8535G>A), located in coding exon 57 of the ATM gene, results from a G to A substitution at nucleotide position 8535. This changes the amino acid from a tryptophan to a stop codon within coding exon 57. This variant was detected in 1/4112 individuals with breast cancer and 0/2399 healthy controls across numerous studies (Tavtigian SV et al. Am J Hum Genet, 2009 Oct;85:427-46). This variant has been identified in the homozygous state and/or in conjunction with other ATM variant(s) in individual(s) with features consistent with ataxia-telangiectasia (A-T) (Jeddane L et al. Neuromolecular Med, 2013 Jun;15:288-94). This variant is considered to be rare based on population cohorts in the Genome Aggregation Database (gnomAD). This alteration is expected to result in loss of function by premature protein truncation or nonsense-mediated mRNA decay. As such, this alteration is interpreted as a disease-causing mutation.

Labcorp Genetics (formerly Invitae), Labcorp
Classification: Pathogenic for Ataxia-telangiectasia syndrome. Last evaluated: 2023-06-23. Review status: criteria provided, single submitter. Criteria: Invitae Variant Classification Sherloc (09022015). Collection method: clinical testing. Allele origin: germline.
Comment: For these reasons, this variant has been classified as Pathogenic. ClinVar contains an entry for this variant (Variation ID: 555284). This premature translational stop signal has been observed in individual(s) with breast cancer (PMID: 9054948, 19781682). This variant is not present in population databases (gnomAD no frequency). This sequence change creates a premature translational stop signal (p.Trp2845*) in the ATM gene. It is expected to result in an absent or disrupted protein product. Loss-of-function variants in ATM are known to be pathogenic (PMID: 23807571, 25614872).

Neuberg Centre For Genomic Medicine, NCGM
Classification: Likely pathogenic for Ataxia-telangiectasia syndrome. Last evaluated: 2023-05-20. Review status: criteria provided, single submitter. Criteria: ACMG Guidelines, 2015. Collection method: clinical testing. Allele origin: germline. Inheritance: Autosomal recessive inheritance. Affected: yes.
Comment: The observed stop gain c.8535G>A(p.Trp2845Ter) variant in ATM gene has been reported in homozygous state in patient(s) affected with ataxia-telangiectasia (Jeddane L, et. al., 2013). The c.8535G>A variant is absent in gnomAD Exomes database. This variant has been submitted to the ClinVar database as Likely pathogenic. Computational evidence (MutationTaster - disease causing) predict a damaging effect on protein structure and function for this variant. The nucleotide change c.8535G>A in ATM is predicted as conserved by GERP++ and PhyloP across 100 vertebrates. This variant is predicted to cause loss of normal protein function through protein truncation. Loss of function variants have been previously reported to be disease causing. For these reasons, this variant has been classified as Likely Pathogenic.

Baylor Genetics
Classification: Pathogenic for Familial cancer of breast. Last evaluated: 2022-06-29. Review status: criteria provided, single submitter. Criteria: ACMG Guidelines, 2015. Collection method: clinical testing. Allele origin: unknown.

Athena Diagnostics
Classification: Likely pathogenic. Last evaluated: 2018-08-27. Review status: criteria provided, single submitter. Criteria: Athena Diagnostics Criteria. Collection method: clinical testing. Allele origin: germline.
Comment: The variant creates a premature nonsense codon, and is therefore predicted to significantly disrupt the protein structure. Not found in the total gnomAD dataset, and the data is high quality (0/276812 chr).

St. Jude Molecular Pathology, St. Jude Children's Research Hospital
Classification: Likely pathogenic for Glioblastoma. Last evaluated: 2018-07-17. Review status: criteria provided, single submitter. Criteria: ACMG Guidelines, 2015. Collection method: clinical testing. Allele origin: germline. Affected: yes.
Comment: This is an nonsense alteration in which a G is replaced by an A at nucleotide 8535 that is predicted to change the Tryptophan to a premature stop at codon 2845. Classification criteria: PVS1, PM2.

Counsyl
Classification: Likely pathogenic for Ataxia-telangiectasia syndrome. Last evaluated: 2017-11-30. Review status: no assertion criteria provided. Collection method: clinical testing. Allele origin: unknown. Not counted in ClinVar's aggregate classification.

Literature cited by the submitters: PubMed 19781682 (cited by 3 submitters); PubMed 23322442 (cited by Ambry Genetics and Counsyl); PubMed 9054948 (cited by Labcorp Genetics (formerly Invitae), Labcorp and Athena Diagnostics); PubMed 23807571 (cited by Labcorp Genetics (formerly Invitae), Labcorp); PubMed 25614872 (cited by Labcorp Genetics (formerly Invitae), Labcorp); PubMed 25525159 (cited by Athena Diagnostics).

NM_000051.4(ATM):c.8535G>A (p.Trp2845Ter)

Genes: ATM (ATM serine/threonine kinase; plus strand), C11orf65 (chromosome 11 open reading frame 65; minus strand). Cytogenetic location: 11q22.3.
Variant type: single nucleotide variant.
Coding change: c.8535G>A on transcript NM_000051.4 (MANE Select); coding-DNA position 8535, G replaced by A.
Protein change: p.Trp2845Ter; replaces tryptophan 2845 with a stop codon.
Molecular consequence: nonsense. On other transcripts: intron variant (2).
Genome position (GRCh38, 1-based): chr11:108,345,859, G>A. VCF-style: chr11-108345859-G-A. GRCh37 (hg19) VCF-style: chr11-108216586-G-A.
Other names: c.8535G>A, p.Trp2845Ter (NM_001351834.2); c.641-36788C>T (NM_001330368.2); c.695-10567C>T (NM_001351110.2); short protein forms W2845*.
Identifiers: ClinVar variation 555284 (VCV000555284.13), dbSNP rs1555138291, ClinGen allele CA382518376.